The following is an entry in ClinVar:

ClinVar aggregate classification (germline): Uncertain significance. Review status: criteria provided, multiple submitters, no conflicts (2 of 4 stars). 2 submissions from 2 submitters: Uncertain significance (2). Last evaluated 2025-09-26.

Conditions:
Inborn genetic diseases. Identifiers: MedGen C0950123, MeSH D030342.

Submissions (2):

Ambry Genetics
Classification: Uncertain significance for Inborn genetic diseases. Last evaluated: 2025-09-26. Review status: criteria provided, single submitter. Criteria: Ambry Variant Classification Scheme 2023. Collection method: clinical testing. Allele origin: germline.

Labcorp Genetics (formerly Invitae), Labcorp
Classification: Uncertain significance. Last evaluated: 2025-03-19. Review status: criteria provided, single submitter. Criteria: Invitae Variant Classification Sherloc (09022015). Collection method: clinical testing. Allele origin: germline.
Comment: This sequence change replaces tyrosine, which is neutral and polar, with histidine, which is basic and polar, at codon 1676 of the FLNB protein (p.Tyr1676His). This variant is not present in population databases (gnomAD no frequency). This variant has not been reported in the literature in individuals affected with FLNB-related conditions. Invitae Evidence Modeling of protein sequence and biophysical properties (such as structural, functional, and spatial information, amino acid conservation, physicochemical variation, residue mobility, and thermodynamic stability) has been performed for this missense variant. However, the output from this modeling did not meet the statistical confidence thresholds required to predict the impact of this variant on FLNB protein function. In summary, the available evidence is currently insufficient to determine the role of this variant in disease. Therefore, it has been classified as a Variant of Uncertain Significance.

NM_001457.4(FLNB):c.5026T>C (p.Tyr1676His)

Gene: FLNB (filamin B; plus strand). Cytogenetic location: 3p14.3.
Variant type: single nucleotide variant.
Coding change: c.5026T>C on transcript NM_001457.4 (MANE Select); coding-DNA position 5026, T replaced by C.
Protein change: p.Tyr1676His; replaces tyrosine 1676 with histidine.
Molecular consequence: missense variant.
Genome position (GRCh38, 1-based): chr3:58,138,446, T>C. VCF-style: chr3-58138446-T-C. GRCh37 (hg19) VCF-style: chr3-58124173-T-C.
Other names: c.5119T>C, p.Tyr1707His (NM_001164317.2); c.5026T>C, p.Tyr1676His (NM_001164318.2, NM_001164319.2); short protein forms Y1676H, Y1707H.
Identifiers: ClinVar variation 4620074 (VCV004620074.2).